The following is an entry in ClinVar:

ClinVar aggregate classification (germline): Uncertain significance (1 of 4 stars; one submission).

Conditions:
Primary ciliary dyskinesia. Also called: Ciliary dyskinesia. Identifiers: Orphanet 244, MedGen C0008780, MONDO:0016575, HP:0012265.

Allele frequency attached by ClinVar (database versions not stated): TOPMed below 0.00001; gnomAD 0.00001; gnomAD exomes 0.00001.
gnomAD v4.1: 4 of 1,608,946 alleles (0.00025%); highest among the groups gnomAD compares: Admixed American, 0.0033%; no homozygotes.

Submission:

Labcorp Genetics (formerly Invitae), Labcorp
Classification: Uncertain significance for Primary ciliary dyskinesia. Last evaluated: 2022-07-05. Review status: criteria provided, single submitter. Criteria: Invitae Variant Classification Sherloc (09022015). Collection method: clinical testing. Allele origin: germline.
Comment: This sequence change replaces lysine, which is basic and polar, with glutamic acid, which is acidic and polar, at codon 888 of the DNAH8 protein (p.Lys888Glu). This variant is present in population databases (no rsID available, gnomAD 0.003%). This variant has not been reported in the literature in individuals affected with DNAH8-related conditions. ClinVar contains an entry for this variant (Variation ID: 855643). Algorithms developed to predict the effect of missense changes on protein structure and function are either unavailable or do not agree on the potential impact of this missense change (SIFT: "Deleterious"; PolyPhen-2: "Not Available"; Align-GVGD: "Class C0"). Algorithms developed to predict the effect of sequence changes on RNA splicing suggest that this variant may create or strengthen a splice site. In summary, the available evidence is currently insufficient to determine the role of this variant in disease. Therefore, it has been classified as a Variant of Uncertain Significance.

NM_001206927.2(DNAH8):c.2662A>G (p.Lys888Glu)

Gene: DNAH8 (dynein axonemal heavy chain 8; plus strand). Cytogenetic location: 6p21.2.
Variant type: single nucleotide variant.
Coding change: c.2662A>G on transcript NM_001206927.2 (MANE Select); coding-DNA position 2662, A replaced by G.
Protein change: p.Lys888Glu; replaces lysine 888 with glutamic acid.
Molecular consequence: missense variant.
Genome position (GRCh38, 1-based): chr6:38,789,881, A>G. VCF-style: chr6-38789881-A-G. GRCh37 (hg19) VCF-style: chr6-38757657-A-G.
Other names: c.2011A>G, p.Lys671Glu (NM_001371.4); short protein forms K671E, K888E.
Identifiers: ClinVar variation 855643 (VCV000855643.7), dbSNP rs1055070416, ClinGen allele CA137580292.